The following is an entry in ClinVar:

NM_181882.3(PRX):c.1843G>A (p.Asp615Asn)

Gene: PRX (periaxin; minus strand). Cytogenetic location: 19q13.2.
Variant type: single nucleotide variant.
Coding change: c.1843G>A on transcript NM_181882.3 (MANE Select); coding-DNA position 1843, G replaced by A.
Protein change: p.Asp615Asn; replaces aspartic acid 615 with asparagine.
Molecular consequence: missense variant. On other transcripts: 3 prime UTR variant (1).
Genome position (GRCh38, 1-based): chr19:40,396,509, C>T on the plus strand (G>A on the coding strand, the complement: PRX is on the minus strand). VCF-style: chr19-40396509-C-T. GRCh37 (hg19) VCF-style: chr19-40902416-C-T.
Other names: c.2128G>A, p.Asp710Asn (NM_001411127.1); c.*2048G>A (NM_020956.2); short protein forms D615N, D710N.
Identifiers: ClinVar variation 1781199 (VCV001781199.4), dbSNP rs377037656, ClinGen allele CA308420125.

ClinVar aggregate classification (germline): Uncertain significance. Review status: criteria provided, multiple submitters, no conflicts (2 of 4 stars). 2 submissions from 2 submitters: Uncertain significance (2). Last evaluated 2024-07-13.

Conditions:
Inborn genetic diseases. Identifiers: MedGen C0950123, MeSH D030342.
Charcot-Marie-Tooth disease type 4. Also called: Charcot-Marie-Tooth, Type 4; Charcot-Marie-Tooth disease, type IV. Identifiers: Orphanet 64749, MedGen C4082197, MONDO:0018995.

Allele frequency attached by ClinVar (database versions not stated): gnomAD 0.00003; TOPMed 0.00003; ESP Exome Variant Server 0.00008.
gnomAD v4.1: 34 of 1,613,900 alleles (0.0021%); highest among the groups gnomAD compares: African/African-American, 0.013%; no homozygotes.

Submissions (2):

Labcorp Genetics (formerly Invitae), Labcorp
Classification: Uncertain significance for Charcot-Marie-Tooth disease type 4. Last evaluated: 2024-07-13. Review status: criteria provided, single submitter. Criteria: Invitae Variant Classification Sherloc (09022015). Collection method: clinical testing. Allele origin: germline.
Comment: This sequence change replaces aspartic acid, which is acidic and polar, with asparagine, which is neutral and polar, at codon 615 of the PRX protein (p.Asp615Asn). This variant is present in population databases (rs377037656, gnomAD 0.02%). This variant has not been reported in the literature in individuals affected with PRX-related conditions. ClinVar contains an entry for this variant (Variation ID: 1781199). An algorithm developed to predict the effect of missense changes on protein structure and function (PolyPhen-2) suggests that this variant is likely to be disruptive. In summary, the available evidence is currently insufficient to determine the role of this variant in disease. Therefore, it has been classified as a Variant of Uncertain Significance.

Ambry Genetics
Classification: Uncertain significance for Inborn genetic diseases. Last evaluated: 2023-05-03. Review status: criteria provided, single submitter. Criteria: Ambry Variant Classification Scheme 2023. Collection method: clinical testing. Allele origin: germline.